The following is an entry in ClinVar:

ClinVar aggregate classification (germline): Uncertain significance. Review status: criteria provided, multiple submitters, no conflicts (2 of 4 stars). 3 submissions from 3 submitters: Uncertain significance (3). Last evaluated 2024-06-07.

Conditions:
Inborn genetic diseases. Identifiers: MedGen C0950123, MeSH D030342.
Primary ciliary dyskinesia 27. Also called: CILIARY DYSKINESIA, PRIMARY, 27, WITHOUT SITUS INVERSUS. Identifiers: Orphanet 244, MedGen C3809701, MONDO:0014215, OMIM 615504.

Allele frequency attached by ClinVar (database versions not stated): ExAC 0.00002; TOPMed 0.00002; gnomAD 0.00004; gnomAD exomes 0.00005 and 0.00011; ESP Exome Variant Server 0.00008.
gnomAD v4.1: 160 of 1,613,388 alleles (0.0099%); highest among the groups gnomAD compares: Non-Finnish European, 0.013%; no homozygotes.

Submissions (3):

GeneDx
Classification: Uncertain significance. Last evaluated: 2024-06-07. Review status: criteria provided, single submitter. Criteria: GeneDx Variant Classification Process June 2021. Collection method: clinical testing. Allele origin: germline. Affected: yes.
Comment: In silico analysis supports that this missense variant has a deleterious effect on protein structure/function; Has not been previously published as pathogenic or benign to our knowledge

Ambry Genetics
Classification: Uncertain significance for Inborn genetic diseases. Last evaluated: 2023-12-27. Review status: criteria provided, single submitter. Criteria: Ambry Variant Classification Scheme 2023. Collection method: clinical testing. Allele origin: germline.

Labcorp Genetics (formerly Invitae), Labcorp
Classification: Uncertain significance for Primary ciliary dyskinesia 27. Last evaluated: 2021-08-27. Review status: criteria provided, single submitter. Criteria: Invitae Variant Classification Sherloc (09022015). Collection method: clinical testing. Allele origin: germline.
Comment: This sequence change replaces phenylalanine with serine at codon 88 of the CCDC65 protein (p.Phe88Ser). The phenylalanine residue is highly conserved and there is a large physicochemical difference between phenylalanine and serine. This variant is present in population databases (rs148153593, ExAC 0.003%). This variant has not been reported in the literature in individuals affected with CCDC65-related conditions. Algorithms developed to predict the effect of missense changes on protein structure and function are either unavailable or do not agree on the potential impact of this missense change (SIFT: "Tolerated"; PolyPhen-2: "Probably Damaging"; Align-GVGD: "Class C0"). In summary, the available evidence is currently insufficient to determine the role of this variant in disease. Therefore, it has been classified as a Variant of Uncertain Significance.

NM_033124.5(DRC2):c.263T>C (p.Phe88Ser)

Gene: DRC2 (dynein regulatory complex subunit 2; plus strand). Cytogenetic location: 12q13.12.
Variant type: single nucleotide variant.
Coding change: c.263T>C on transcript NM_033124.5 (MANE Select); coding-DNA position 263, T replaced by C.
Protein change: p.Phe88Ser; replaces phenylalanine 88 with serine.
Molecular consequence: missense variant. On other transcripts: 5 prime UTR variant (1).
Genome position (GRCh38, 1-based): chr12:48,905,076, T>C. VCF-style: chr12-48905076-T-C. GRCh37 (hg19) VCF-style: chr12-49298859-T-C.
Other names: c.-167T>C (NM_001286957.2); c.263T>C (NM_033124.4); short protein forms F88S.
Identifiers: ClinVar variation 1426614 (VCV001426614.7), dbSNP rs148153593, ClinGen allele CA6543186.
Genomic context (GRCh38, chr12:48,905,076, plus strand): 5'-TCCTTCGGGAAGTCAAGACCAGAGAACTTCATAAGGACATTGAGATCCTCAGCCAAACAT[T>C]TGAACGAGTGGTGGACTGTAAGGACAATGTCATCAAGGTAGGCACTCTTTCCAAGGAAAC-3'
Protein context (NP_149115.2, residues 78-98): HKDIEILSQT[Phe88Ser]ERVVDCKDNV